The following is an entry in ClinVar:

ClinVar aggregate classification (germline): Conflicting classifications of pathogenicity. Review status: criteria provided, conflicting classifications (1 of 4 stars). 3 submissions from 3 submitters: Uncertain significance (2); Likely benign (1). Last evaluated 2024-11-15.

Conditions:
Hereditary cancer-predisposing syndrome. Also called: Neoplastic Syndromes, Hereditary; Tumor predisposition; Hereditary Cancer Syndrome; Hereditary neoplastic syndrome. Identifiers: Orphanet 140162, MedGen C0027672, MeSH D009386, MONDO:0015356.
Cardiovascular phenotype. Identifiers: MedGen CN230736.

Submissions (3):

Labcorp Genetics (formerly Invitae), Labcorp
Classification: Uncertain significance. Last evaluated: 2024-11-15. Review status: criteria provided, single submitter. Criteria: Invitae Variant Classification Sherloc (09022015). Collection method: clinical testing. Allele origin: germline.
Comment: This sequence change affects codon 651 of the LZTR1 mRNA. It is a 'silent' change, meaning that it does not change the encoded amino acid sequence of the LZTR1 protein. This variant is not present in population databases (gnomAD no frequency). This variant has not been reported in the literature in individuals affected with LZTR1-related conditions. ClinVar contains an entry for this variant (Variation ID: 1783269). Algorithms developed to predict the effect of sequence changes on RNA splicing suggest that this variant may create or strengthen a splice site. In summary, the available evidence is currently insufficient to determine the role of this variant in disease. Therefore, it has been classified as a Variant of Uncertain Significance.

GeneDx
Classification: Uncertain significance. Last evaluated: 2023-11-14. Review status: criteria provided, single submitter. Criteria: GeneDx Variant Classification Process June 2021. Collection method: clinical testing. Allele origin: germline. Affected: yes.
Comment: Not observed at significant frequency in large population cohorts (gnomAD); Has not been previously published as pathogenic or benign to our knowledge; In silico analysis suggests this variant may impact gene splicing. In the absence of RNA/functional studies, the actual effect of this sequence change is unknown.

Ambry Genetics
Classification: Likely benign for Cardiovascular phenotype; Hereditary cancer-predisposing syndrome. Last evaluated: 2021-10-28. Review status: criteria provided, single submitter. Criteria: Ambry Variant Classification Scheme 2023. Collection method: clinical testing. Allele origin: germline.

NM_006767.4(LZTR1):c.1953G>T (p.Leu651=)

Gene: LZTR1 (leucine zipper like post translational regulator 1; plus strand). Cytogenetic location: 22q11.21.
Variant type: single nucleotide variant.
Coding change: c.1953G>T on transcript NM_006767.4 (MANE Select); coding-DNA position 1953, G replaced by T.
Protein change: p.Leu651=; no amino-acid change (leucine 651 retained).
Molecular consequence: synonymous variant.
Genome position (GRCh38, 1-based): chr22:20,995,756, G>T. VCF-style: chr22-20995756-G-T. GRCh37 (hg19) VCF-style: chr22-21350045-G-T.
Identifiers: ClinVar variation 1783269 (VCV001783269.5), dbSNP rs2147969206, ClinGen allele CA513699319.